The following is an entry in ClinVar:

NM_001378454.1(ALMS1):c.10772del (p.Thr3591fs)

Gene: ALMS1 (ALMS1 centrosome and basal body associated protein; plus strand). Cytogenetic location: 2p13.1.
Variant type: Deletion.
Coding change: c.10772del on transcript NM_001378454.1 (MANE Select); coding-DNA position 10772, one base deleted (C; older notation c.10772delC).
Protein change: p.Thr3591fs; shifts the reading frame from threonine 3591.
Molecular consequence: frameshift variant.
Genome position (GRCh38, 1-based): chr2:73,572,649, C deleted. VCF-style (leftmost placement, unchanged base first): chr2-73572648-AC-A. GRCh37 (hg19) VCF-style: chr2-73799775-AC-A.
Other names: NM_015120.4(ALMS1):c.10775del; p.Thr3592fs; c.10775delC (NM_015120.4); c.10775del, p.Thr3592fs (NM_015120.4); short protein forms T3592fs, T3591fs.
Identifiers: ClinVar variation 3971 (VCV000003971.28), dbSNP rs387906312, ClinGen allele CA252953.
Genomic context (GRCh38, chr2:73,572,648, plus strand): 5'-CCAAAACATAATGGACAAATTAGTGATCCACAAAGGGATCAGAAGGTCACCCCAGAGCAA[AC>A]AACTCAGCACACTGTGAGTTTGAATGAACTGTGGAACAAGTATCGGGAGCGACAGAGGCA-3'

ClinVar aggregate classification (germline): Pathogenic. Review status: criteria provided, multiple submitters, no conflicts (2 of 4 stars). 12 submissions from 12 submitters: Pathogenic (10). 2 of the submissions do not count toward it. Last evaluated 2026-02-02.

Conditions:
ALMS1-related disorder. Also called: ALMS1-related condition.
Cardiovascular phenotype. Identifiers: MedGen CN230736.
Bardet-Biedl syndrome (BBS). Identifiers: Orphanet 110, MedGen C0752166, MONDO:0015229.
Alstrom syndrome (ALMS). Identifiers: Orphanet 64, MedGen C0268425, MONDO:0008763, OMIM 203800.

Allele frequency attached by ClinVar (database versions not stated): TOPMed 0.00003; gnomAD 0.00004 and 0.00003; gnomAD exomes 0.00005 and 0.00036; ESP Exome Variant Server 0.00060; ExAC 0.00007.

Submissions (12):

Labcorp Genetics (formerly Invitae), Labcorp
Classification: Pathogenic for Alstrom syndrome. Last evaluated: 2026-02-02. Review status: criteria provided, single submitter. Criteria: Invitae Variant Classification Sherloc (09022015). Collection method: clinical testing. Allele origin: germline.
Comment: This sequence change creates a premature translational stop signal (p.Thr3592Lysfs*6) in the ALMS1 gene. It is expected to result in an absent or disrupted protein product. Loss-of-function variants in ALMS1 are known to be pathogenic (PMID: 17594715). This variant is present in population databases (rs387906312, gnomAD 0.01%). This premature translational stop signal has been observed in individuals with ALMS1-related conditions (PMID: 11941369, 11941370, 25846608). ClinVar contains an entry for this variant (Variation ID: 3971). For these reasons, this variant has been classified as Pathogenic.

Natera, Inc.
Classification: Pathogenic for Alstrom syndrome. Last evaluated: 2025-12-09. Review status: criteria provided, single submitter. Criteria: Natera Variant Classification Schema (03/2026). Collection method: clinical testing. Allele origin: germline.
Comment: The c.10775delC variant in ALMS1 is a frameshift variant predicted to shift the reading frame beginning at codon 3592 and leads to a stop codon 6 codons downstream. This variant is expected to result in nonsense mediated decay, truncation, or a dysfunctional protein product. This variant is rare in the general population with a frequency below the threshold expected for the associated phenotype(s). This variant has been observed in one or more individuals affected with the associated recessive disease, as either homozygous or compound heterozygous with a second variant (PMID: 16720663). Given the available evidence, this variant is classified as Pathogenic.

Variantyx, Inc.
Classification: Pathogenic for Alstrom syndrome. Last evaluated: 2025-08-17. Review status: criteria provided, single submitter. Criteria: Variantyx Assertion Criteria 2022. Collection method: clinical testing. Allele origin: germline. Inheritance: Autosomal recessive inheritance. Affected: no.
Comment: This is a frameshift variant in the ALMS1 gene (OMIM: 606844). Pathogenic variants in this gene have been associated with autosomal recessive Alstrom syndrome. This variant introduces a premature termination codon in exon 16 out of 23 and is expected to result in loss of function, which is a known disease mechanism for ALMS1 in this disorder (PMID: 11941369) (PVS1). This variant has been identified in the homozygous or compound heterozygous state in at least three individuals reported in the published literature (PMID: 11941369, 35764379) (PM3_Strong). It has a 0.0429% maximum allele frequency in non-founder control populations (PM2). Based on the current evidence, this variant is classified as pathogenic for autosomal recessive Alstrom syndrome.

Women's Health and Genetics/Laboratory Corporation of America, LabCorp
Classification: Pathogenic for Alstrom syndrome. Last evaluated: 2025-04-09. Review status: criteria provided, single submitter. Criteria: LabCorp Variant Classification Summary - May 2015. Collection method: clinical testing. Allele origin: germline.
Comment: Variant summary: ALMS1 c.10769delC (p.Thr3590LysfsX6) results in a premature termination codon, predicted to cause a truncation of the encoded protein or absence of the protein due to nonsense mediated decay, which are commonly known mechanisms for disease. The variant allele was found at a frequency of 5.2e-05 in 248706 control chromosomes (gnomAD). This frequency is not significantly higher than estimated for a pathogenic variant in ALMS1 causing Alstrom Syndrome (5.2e-05 vs 0.0014), allowing no conclusion about variant significance. The variant, c.10769delC (aka c.10775delC) has been reported in the literature in several individuals affected with Alstrom Syndrome (e.g. Marshall_2007, Marshall_2015). These data indicate that the variant is very likely to be associated with disease. To our knowledge, no experimental evidence demonstrating an impact on protein function has been reported. The following publications have been ascertained in the context of this evaluation (PMID: 17594715, 25846608). ClinVar contains an entry for this variant (Variation ID: 3971). Based on the evidence outlined above, the variant was classified as pathogenic.

Blueprint Genetics
Classification: Pathogenic for ALMS1-related disorders. Last evaluated: 2024-02-27. Review status: criteria provided, single submitter. Criteria: ACMG Guidelines, 2015. Collection method: clinical testing. Allele origin: germline. Affected: yes. Observed: 5 variant alleles.

Ambry Genetics
Classification: Pathogenic for Cardiovascular phenotype. Last evaluated: 2023-01-18. Review status: criteria provided, single submitter. Criteria: Ambry Variant Classification Scheme 2023. Collection method: clinical testing. Allele origin: germline.
Comment: The c.10775delC pathogenic mutation, located in coding exon 16 of the ALMS1 gene, results from a deletion of one nucleotide at nucleotide position 10775, causing a translational frameshift with a predicted alternate stop codon (p.T3592Kfs*6). This variant has been detected in the homozygous state and in the compound heterozygous state with other ALMS1 variants in several individuals reported to have Alstr&ouml;m syndrome (AS), features consistent with AS, or in AS cohorts (Collin GB et al. Nat Genet, 2002 May;31:74-8; Hearn T et al. Nat Genet, 2002 May;31:79-83; Marshall JD et al. Hum Mutat, 2007 Nov;28:1114-23; Pereiro I et al. Eur J Hum Genet, 2011 Apr;19:485-8; Marshall JD et al. Hum Mutat, 2015 Jul;36:660-8; Paisey RB et al. J Clin Endocrinol Metab, 2015 Aug;100:E1116-24; Waldman M et al. Mol Genet Metab, 2018 Sep;125:181-191). In addition to the clinical data presented in the literature, this alteration is expected to result in loss of function by premature protein truncation or nonsense-mediated mRNA decay. As such, this alteration is interpreted as a disease-causing mutation.

Broad Center for Mendelian Genomics, Broad Institute of MIT and Harvard
Classification: Pathogenic for Alstrom syndrome. Last evaluated: 2022-05-04. Review status: criteria provided, single submitter. Criteria: ACMG Guidelines, 2015. Collection method: curation. Allele origin: germline. Inheritance: Autosomal recessive inheritance.
Comment: The variant has been reported in at least 9 individuals of British and unknown ethnicity with Alstrom syndrome (PMID: 28610912, 26704672, 28112973, 11941369, 11941370), and has been identified in 0.01% (13/128100) of European non-Finnish chromosomes by the Genome Aggregation Database (gnomAD; dbSNP ID: rs387906312). Although this variant has been seen in the general population, its frequency is not high enough to rule out a pathogenic role. This variant has also been reported in ClinVar (Variation ID: 3971) as pathogenic by multiple submitters. This variant is predicted to cause a frameshift, which alters the protein’s amino acid sequence beginning at position 3590 and leads to a premature termination codon 6 amino acids downstream. This alteration is then predicted to lead to a truncated or absent protein. Loss of function of the ALMS1 gene is an established disease mechanism in autosomal recessive Alstrom syndrome. The presence of this variant in at least 3 affected homozygotes, in combination with reported likely pathogenic variants, and in at least 9 individuals with Alstrom syndrome increases the likelihood that the p.Thr3590LysfsTer6 variant is pathogenic (Variation ID: 871762, 210129; PMID: 28610912, 26704672, 28112973, 11941369, 11941370). In summary, the p.Thr3590LysfsTer6 variant is pathogenic based of the predicted loss of function effect and the presence of multiple homozygotes and other pathogenic variants found in combination with this variant in affected individuals. ACMG/AMP Criteria applied: PVS1, PM3_strong (Richards 2015).

GeneDx
Classification: Pathogenic. Last evaluated: 2021-12-22. Review status: criteria provided, single submitter. Criteria: GeneDx Variant Classification Process June 2021. Collection method: clinical testing. Allele origin: germline. Affected: yes.
Comment: Not observed at a significant frequency in large population cohorts (gnomAD); Frameshift variant predicted to result in protein truncation or nonsense mediated decay in a gene for which loss-of-function is a known mechanism of disease; This variant is associated with the following publications: (PMID: 21897446, 11941370, 11941369, 17594715, 21157496, 25846608, 26066530, 26104972, 26704672, 28610912, 32503575, 16720663)

Cambridge Genomics Laboratory, East Genomic Laboratory Hub, NHS Genomic Medicine Service
Classification: Pathogenic for Bardet-Biedl syndrome. Last evaluated: 2020-04-21. Review status: criteria provided, single submitter. Criteria: ACGS Best Practice Guidelines for Variant Classification in Rare Disease 2020. Collection method: clinical testing. Allele origin: germline. Affected: yes. Observed: 1 variant allele.

Eurofins Ntd Llc (ga)
Classification: Pathogenic. Last evaluated: 2016-11-17. Review status: criteria provided, single submitter. Criteria: EGL Classification Definitions 2015. Collection method: clinical testing. Allele origin: germline. Observed: 4 variant alleles, 3 heterozygotes, 1 homozygote.

Counsyl
Classification: Pathogenic for Alstrom syndrome. Last evaluated: 2017-04-17. Review status: no assertion criteria provided. Collection method: clinical testing. Allele origin: unknown. Not counted in ClinVar's aggregate classification.

OMIM
Classification: Pathogenic for ALSTROM SYNDROME. Last evaluated: 2007-11-01. Review status: no assertion criteria provided. Collection method: literature only. Allele origin: germline. Not counted in ClinVar's aggregate classification.

Literature cited by the submitters: PubMed 17594715 (cited by 5 submitters); PubMed 11941369 (cited by 5 submitters); PubMed 11941370 (cited by 4 submitters); PubMed 25846608 (cited by 3 submitters); PubMed 16720663 (cited by Natera, Inc.); PubMed 35764379 (cited by Variantyx, Inc.); PubMed 21157496 (cited by Ambry Genetics); PubMed 26066530 (cited by Ambry Genetics); PubMed 30064963 (cited by Ambry Genetics); PubMed 21897446 (cited by Eurofins Ntd Llc (ga)).